The following is an entry in ClinVar:

NM_001017995.3(SH3PXD2B):c.1403G>A (p.Arg468Gln)

Gene: SH3PXD2B (SH3 and PX domains 2B; minus strand). Cytogenetic location: 5q35.1.
Variant type: single nucleotide variant.
Coding change: c.1403G>A on transcript NM_001017995.3 (MANE Select); coding-DNA position 1403, G replaced by A.
Protein change: p.Arg468Gln; replaces arginine 468 with glutamine.
Molecular consequence: missense variant. On other transcripts: intron variant (1).
Genome position (GRCh38, 1-based): chr5:172,339,702, C>T on the plus strand (G>A on the coding strand, the complement: SH3PXD2B is on the minus strand). VCF-style: chr5-172339702-C-T. GRCh37 (hg19) VCF-style: chr5-171766706-C-T.
Other names: c.1188+6434G>A (NM_001308175.2); short protein forms R468Q.
Identifiers: ClinVar variation 547887 (VCV000547887.11), dbSNP rs144424788, ClinGen allele CA3561191.

ClinVar aggregate classification (germline): Uncertain significance. Review status: criteria provided, multiple submitters, no conflicts (2 of 4 stars). 4 submissions from 4 submitters: Uncertain significance (4). Last evaluated 2025-07-23.

Conditions:
Frank-Ter Haar syndrome. Also called: Borrone di Rocco Crovato syndrome; MELNICK-NEEDLES SYNDROME, AUTOSOMAL RECESSIVE; BORRONE DERMATOCARDIOSKELETAL SYNDROME; TER HAAR SYNDROME. Identifiers: Orphanet 1266, Orphanet 137834, MedGen C1855305, MONDO:0009579, OMIM 249420.
SH3PXD2B-related disorder. Also called: SH3PXD2B-related condition.

Allele frequency attached by ClinVar (database versions not stated): gnomAD 0.00013 and 0.00010; ExAC 0.00017; gnomAD exomes 0.00018; TOPMed 0.00020; 1000 Genomes Project 30x 0.00031; 1000 Genomes Project 0.00040; ESP Exome Variant Server 0.00008.
gnomAD v4.1: 232 of 1,614,208 alleles (0.014%); highest among the groups gnomAD compares: East Asian, 0.15%; no homozygotes.

Submissions (4):

PreventionGenetics, part of Exact Sciences
Classification: Uncertain significance for SH3PXD2B-related condition. Last evaluated: 2025-07-23. Review status: criteria provided, single submitter. Criteria: ACMG Guidelines, 2015. Collection method: clinical testing. Allele origin: germline.
Comment: The SH3PXD2B c.1403G>A variant is predicted to result in the amino acid substitution p.Arg468Gln. To our knowledge, this variant has not been reported in the literature. This variant is reported in 0.16% of alleles in individuals of East Asian descent in gnomAD. Although we suspect that this variant may be benign, at this time, the clinical significance of this variant is uncertain due to the absence of conclusive functional and genetic evidence.

Labcorp Genetics (formerly Invitae), Labcorp
Classification: Uncertain significance. Last evaluated: 2024-11-05. Review status: criteria provided, single submitter. Criteria: Invitae Variant Classification Sherloc (09022015). Collection method: clinical testing. Allele origin: germline.
Comment: This sequence change replaces arginine, which is basic and polar, with glutamine, which is neutral and polar, at codon 468 of the SH3PXD2B protein (p.Arg468Gln). This variant is present in population databases (rs144424788, gnomAD 0.1%). This variant has not been reported in the literature in individuals affected with SH3PXD2B-related conditions. ClinVar contains an entry for this variant (Variation ID: 547887). An algorithm developed to predict the effect of missense changes on protein structure and function (PolyPhen-2) suggests that this variant is likely to be disruptive. In summary, the available evidence is currently insufficient to determine the role of this variant in disease. Therefore, it has been classified as a Variant of Uncertain Significance.

Blueprint Genetics
Classification: Uncertain significance. Last evaluated: 2024-10-02. Review status: criteria provided, single submitter. Criteria: ACMG Guidelines, 2015. Collection method: clinical testing. Allele origin: germline.

Mayo Clinic Laboratories, Mayo Clinic
Classification: Uncertain significance for Frank-Ter Haar syndrome. Last evaluated: 2016-11-16. Review status: criteria provided, single submitter. Criteria: ACMG Guidelines, 2015. Collection method: clinical testing. Allele origin: paternal.